The following is an entry in ClinVar:

ClinVar aggregate classification (germline): Benign/Likely benign. Review status: criteria provided, multiple submitters, no conflicts (2 of 4 stars). 5 submissions from 5 submitters: Benign (1); Likely benign (4). Last evaluated 2025-03-22.

Conditions:
Hereditary cancer-predisposing syndrome. Also called: Tumor predisposition; Hereditary Cancer Syndrome; Hereditary neoplastic syndrome; Neoplastic Syndromes, Hereditary. Identifiers: Orphanet 140162, MedGen C0027672, MeSH D009386, MONDO:0015356.
Lynch syndrome 5 (LYNCH5). Also called: Colorectal cancer, hereditary nonpolyposis, type 5; Hereditary non-polyposis colorectal cancer, type 5. Identifiers: Orphanet 144, MedGen C1833477, MONDO:0013710, OMIM 614350. Disease mechanism: loss of function.
Hereditary nonpolyposis colorectal neoplasms. Identifiers: MedGen C0009405, MeSH D003123.

Allele frequency attached by ClinVar (database versions not stated): gnomAD exomes below 0.00001; TOPMed below 0.00001.
gnomAD v4.1: 1 of 1,614,122 alleles (0.000062%); highest among the groups gnomAD compares: South Asian, 0.0011%; no homozygotes.

Submissions (5):

Labcorp Genetics (formerly Invitae), Labcorp
Classification: Likely benign for Hereditary nonpolyposis colorectal neoplasms. Last evaluated: 2025-03-22. Review status: criteria provided, single submitter. Criteria: Invitae Variant Classification Sherloc (09022015). Collection method: clinical testing. Allele origin: germline.

Myriad Genetics, Inc.
Classification: Benign for Lynch syndrome 5. Last evaluated: 2024-12-18. Review status: criteria provided, single submitter. Criteria: Myriad Autosomal Dominant, Autosomal Recessive and X-Linked Classification Criteria (2023). Collection method: clinical testing. Allele origin: unknown.
Comment: This variant is considered benign. This variant is a silent/synonymous amino acid change and it is not expected to impact splicing.

Color Diagnostics, LLC DBA Color Health
Classification: Likely benign for Hereditary cancer-predisposing syndrome. Last evaluated: 2018-05-29. Review status: criteria provided, single submitter. Criteria: ACMG Guidelines, 2015. Collection method: clinical testing. Allele origin: germline.

GeneDx
Classification: Likely benign. Last evaluated: 2015-10-01. Review status: criteria provided, single submitter. Criteria: GeneDx Variant Classification (06012015). Collection method: clinical testing. Allele origin: germline. Affected: yes.
Comment: This variant is considered likely benign or benign based on one or more of the following criteria: it is a conservative change, it occurs at a poorly conserved position in the protein, it is predicted to be benign by multiple in silico algorithms, and/or has population frequency not consistent with disease.

Ambry Genetics
Classification: Likely benign for Hereditary cancer-predisposing syndrome. Last evaluated: 2014-07-31. Review status: criteria provided, single submitter. Criteria: Ambry Variant Classification Scheme 2023. Collection method: clinical testing. Allele origin: germline.

NM_000179.3(MSH6):c.483G>A (p.Lys161=)

Gene: MSH6 (mutS homolog 6; plus strand). Cytogenetic location: 2p16.3.
Variant type: single nucleotide variant.
Coding change: c.483G>A on transcript NM_000179.3 (MANE Select); coding-DNA position 483, G replaced by A.
Protein change: p.Lys161=; no amino-acid change (lysine 161 retained).
Molecular consequence: synonymous variant. On other transcripts: 5 prime UTR variant (1), intron variant (2).
Genome position (GRCh38, 1-based): chr2:47,795,919, G>A. VCF-style: chr2-47795919-G-A. GRCh37 (hg19) VCF-style: chr2-48023058-G-A.
Other names: c.-420G>A (NM_001281494.2); c.-279-2692G>A (NM_001281493.2); c.238-2692G>A (NM_001281492.2).
Identifiers: ClinVar variation 89535 (VCV000089535.19), dbSNP rs63751030, ClinGen allele CA015717.